The following is an entry in ClinVar:

NM_000277.3(PAH):c.1192A>T (p.Lys398Ter)

Gene: PAH (phenylalanine hydroxylase; minus strand). Cytogenetic location: 12q23.2.
Variant type: single nucleotide variant.
Coding change: c.1192A>T on transcript NM_000277.3 (MANE Select); coding-DNA position 1192, A replaced by T.
Protein change: p.Lys398Ter; replaces lysine 398 with a stop codon.
Molecular consequence: nonsense.
Genome position (GRCh38, 1-based): chr12:102,843,653, T>A on the plus strand (A>T on the coding strand, the complement: PAH is on the minus strand). VCF-style: chr12-102843653-T-A. GRCh37 (hg19) VCF-style: chr12-103237431-T-A.
Other names: c.1192A>T, p.Lys398Ter (NM_001354304.2); short protein forms K398*.
Identifiers: ClinVar variation 1376814 (VCV001376814.6), dbSNP rs2136635468, ClinGen allele CA386493136.
Genomic context (GRCh38, chr12:102,843,653, plus strand): 5'-GCACCAGTCAGGAGGCCCCCAGAGCTAGTGGCTCACCTTTGTCACCACCTCACCTTACTT[T>A]CTCCTTGGCATCATTAAAACTCTCTGCCACGTAATAGAGGGGCTGGAACTCCGTGACAGT-3'

ClinVar aggregate classification (germline): Pathogenic (1 of 4 stars; one submission).

Conditions:
Phenylketonuria (PKU). Also called: Phenylketonuria (PKU); FOLLING DISEASE; OLIGOPHRENIA PHENYLPYRUVICA; Phenylketonurias. Identifiers: Orphanet 716, MedGen C0031485, MONDO:0009861, OMIM 261600. Disease mechanism: loss of function.

Allele frequency attached by ClinVar (database versions not stated): gnomAD exomes below 0.00001.
gnomAD v4.1: 2 of 1,613,682 alleles (0.00012%); highest among the groups gnomAD compares: Non-Finnish European, 0.00017%; no homozygotes.

Submission:

Labcorp Genetics (formerly Invitae), Labcorp
Classification: Pathogenic for Phenylketonuria. Last evaluated: 2021-08-03. Review status: criteria provided, single submitter. Criteria: Invitae Variant Classification Sherloc (09022015). Collection method: clinical testing. Allele origin: germline.
Comment: This sequence change creates a premature translational stop signal (p.Lys398*) in the PAH gene. It is expected to result in an absent or disrupted protein product. Loss-of-function variants in PAH are known to be pathogenic (PMID: 1301187, 9634518). This variant is not present in population databases (ExAC no frequency). This variant has not been reported in the literature in individuals affected with PAH-related conditions. For these reasons, this variant has been classified as Pathogenic.

Literature cited by the submitters: PubMed 1301187; PubMed 9634518.